The following is an entry in ClinVar:

NM_006939.4(SOS2):c.1027G>C (p.Val343Leu)

Gene: SOS2 (SOS Ras/Rho guanine nucleotide exchange factor 2; minus strand). Cytogenetic location: 14q21.3.
Variant type: single nucleotide variant.
Coding change: c.1027G>C on transcript NM_006939.4 (MANE Select); coding-DNA position 1027, G replaced by C.
Protein change: p.Val343Leu; replaces valine 343 with leucine.
Molecular consequence: missense variant. On other transcripts: intron variant (1).
Genome position (GRCh38, 1-based): chr14:50,174,495, C>G on the plus strand (G>C on the coding strand, the complement: SOS2 is on the minus strand). VCF-style: chr14-50174495-C-G. GRCh37 (hg19) VCF-style: chr14-50641213-C-G.
Other names: c.969+6077G>C (NM_001411020.1); short protein forms V343L.
Identifiers: ClinVar variation 3959867 (VCV003959867.1).
Genomic context (GRCh38, chr14:50,174,495, plus strand): 5'-TTCTGTTATAAAACCTTACCTTTAGTAACTCAAAGTAGTGCCAACAGTGATACACTGGCA[C>G]CAGCATAAGACGTGGAAGGACATAACGAACTGCCTCTTTAAAACCATCAGCAATGGACTG-3'
Protein context (NP_008870.2, residues 333-353): VRYVLPRLML[Val343Leu]PVYHCWHYFE

ClinVar aggregate classification (germline): Uncertain significance (1 of 4 stars; one submission).

Conditions:
Cardiovascular phenotype. Identifiers: MedGen CN230736.

gnomAD v4.1: 3 of 1,610,344 alleles (0.00019%); highest among the groups gnomAD compares: Non-Finnish European, 0.00025%; no homozygotes.

Submission:

Ambry Genetics
Classification: Uncertain significance for Cardiovascular phenotype. Last evaluated: 2025-05-05. Review status: criteria provided, single submitter. Criteria: Ambry Variant Classification Scheme 2023. Collection method: clinical testing. Allele origin: germline.
Comment: The p.V343L variant (also known as c.1027G>C), located in coding exon 8 of the SOS2 gene, results from a G to C substitution at nucleotide position 1027. The valine at codon 343 is replaced by leucine, an amino acid with highly similar properties. This amino acid position is conserved. In addition, this alteration is predicted to be tolerated by in silico analysis. Based on the available evidence, the clinical significance of this variant remains unclear.